The following is an entry in ClinVar:

ClinVar aggregate classification (germline): Benign. Review status: criteria provided, multiple submitters, no conflicts (2 of 4 stars). 4 submissions from 4 submitters: Benign (4). Last evaluated 2026-02-04.

Conditions:
Epidermolysis bullosa simplex due to plakophilin deficiency. Also called: MCGRATH SYNDROME. Identifiers: Orphanet 158668, MedGen C1858302, MONDO:0011472, OMIM 604536.

Allele frequency attached by ClinVar (database versions not stated): gnomAD 0.01866 and 0.01989; 1000 Genomes Project 0.01997; ESP Exome Variant Server 0.02016; TOPMed 0.02046; 1000 Genomes Project 30x 0.02171.
gnomAD v4.1: 6,994 of 1,588,826 alleles (0.44%); highest among the groups gnomAD compares: African/African-American, 6.4%; 169 homozygotes.

Submissions (4):

Labcorp Genetics (formerly Invitae), Labcorp
Classification: Benign. Last evaluated: 2026-02-04. Review status: criteria provided, single submitter. Criteria: Invitae Variant Classification Sherloc (09022015). Collection method: clinical testing. Allele origin: germline.

GeneDx
Classification: Benign. Last evaluated: 2021-05-06. Review status: criteria provided, single submitter. Criteria: GeneDx Variant Classification Process June 2021. Collection method: clinical testing. Allele origin: germline. Affected: yes.

Illumina Laboratory Services, Illumina
Classification: Benign for Epidermolysis bullosa simplex due to plakophilin deficiency. Last evaluated: 2018-01-12. Review status: criteria provided, single submitter. Criteria: ICSL Variant Classification Criteria 13 December 2019. Collection method: clinical testing. Allele origin: germline.
Comment: This variant was observed in the ICSL laboratory as part of a predisposition screen in an ostensibly healthy population. It had not been previously curated by ICSL or reported in the Human Gene Mutation Database (HGMD: prior to June 1st, 2018), and was therefore a candidate for classification through an automated scoring system. Utilizing variant allele frequency, disease prevalence and penetrance estimates, and inheritance mode, an automated score was calculated to assess if this variant is too frequent to cause the disease. Based on the score and internal cut-off values, a variant classified as benign is not then subjected to further curation. The score for this variant resulted in a classification of benign for this disease.

Breakthrough Genomics
Classification: Benign. Review status: criteria provided, single submitter. Criteria: ACMG Guidelines, 2015. Collection method: not provided. Allele origin: germline. Inheritance: Autosomal recessive inheritance. Affected: yes.

NM_001005337.3(PKP1):c.482G>A (p.Cys161Tyr)

Gene: PKP1 (plakophilin 1; plus strand). Cytogenetic location: 1q32.1.
Variant type: single nucleotide variant.
Coding change: c.482G>A on transcript NM_001005337.3 (MANE Select); coding-DNA position 482, G replaced by A.
Protein change: p.Cys161Tyr; replaces cysteine 161 with tyrosine.
Molecular consequence: missense variant.
Genome position (GRCh38, 1-based): chr1:201,313,341, G>A. VCF-style: chr1-201313341-G-A. GRCh37 (hg19) VCF-style: chr1-201282469-G-A.
Other names: c.482G>A, p.Cys161Tyr (NM_000299.4); short protein forms C161Y.
Identifiers: ClinVar variation 294807 (VCV000294807.16), dbSNP rs34704938, ClinGen allele CA1324097.